The following is an entry in ClinVar:

ClinVar aggregate classification (germline): Uncertain significance (1 of 4 stars; one submission).

Conditions:
EGFR-related lung cancer (EGFR). Identifiers: MedGen CN130014.

Submission:

Labcorp Genetics (formerly Invitae), Labcorp
Classification: Uncertain significance for EGFR-related lung cancer. Last evaluated: 2022-02-19. Review status: criteria provided, single submitter. Criteria: Invitae Variant Classification Sherloc (09022015). Collection method: clinical testing. Allele origin: germline.
Comment: This variant has not been reported in the literature in individuals affected with EGFR-related conditions. In summary, the available evidence is currently insufficient to determine the role of this variant in disease. Therefore, it has been classified as a Variant of Uncertain Significance. Algorithms developed to predict the effect of missense changes on protein structure and function are either unavailable or do not agree on the potential impact of this missense change (SIFT: "Deleterious"; PolyPhen-2: "Probably Damaging"; Align-GVGD: "Class C0"). This variant is not present in population databases (gnomAD no frequency). This sequence change replaces leucine, which is neutral and non-polar, with proline, which is neutral and non-polar, at codon 438 of the EGFR protein (p.Leu438Pro).

NM_005228.5(EGFR):c.1313T>C (p.Leu438Pro)

Gene: EGFR (epidermal growth factor receptor; plus strand). Cytogenetic location: 7p11.2.
Variant type: single nucleotide variant.
Coding change: c.1313T>C on transcript NM_005228.5 (MANE Select); coding-DNA position 1313, T replaced by C.
Protein change: p.Leu438Pro; replaces leucine 438 with proline.
Molecular consequence: missense variant.
Genome position (GRCh38, 1-based): chr7:55,160,153, T>C. VCF-style: chr7-55160153-T-C. GRCh37 (hg19) VCF-style: chr7-55227846-T-C.
Other names: c.1178T>C, p.Leu393Pro (NM_001346897.2, NM_001346899.2); c.1313T>C, p.Leu438Pro (NM_001346898.2, NM_201282.2, NM_201284.2); c.1154T>C, p.Leu385Pro (NM_001346900.2); c.512T>C, p.Leu171Pro (NM_001346941.2); short protein forms L385P, L171P, L438P, L393P.
Identifiers: ClinVar variation 2099315 (VCV002099315.4), dbSNP rs2128941306, ClinGen allele CA367579339.